The following is an entry in ClinVar:

NM_016929.5(CLIC5):c.241G>A (p.Val81Met)

Gene: CLIC5 (chloride intracellular channel 5; minus strand). Cytogenetic location: 6p21.1.
Variant type: single nucleotide variant.
Coding change: c.241G>A on transcript NM_016929.5 (MANE Select); coding-DNA position 241, G replaced by A.
Protein change: p.Val81Met; replaces valine 81 with methionine.
Molecular consequence: missense variant.
Genome position (GRCh38, 1-based): chr6:45,949,314, C>T on the plus strand (G>A on the coding strand, the complement: CLIC5 is on the minus strand). VCF-style: chr6-45949314-C-T. GRCh37 (hg19) VCF-style: chr6-45917051-C-T.
Other names: c.718G>A, p.Val240Met (NM_001114086.2, NM_001370650.1); c.241G>A, p.Val81Met (NM_001256023.2); c.124G>A, p.Val42Met (NM_001370649.1); c.718G>A (NM_001114086.1); short protein forms V42M, V240M, V81M.
Identifiers: ClinVar variation 2171060 (VCV002171060.5), dbSNP rs142218776, ClinGen allele CA3836864.

ClinVar aggregate classification (germline): Uncertain significance. Review status: criteria provided, multiple submitters, no conflicts (2 of 4 stars). 2 submissions from 2 submitters: Uncertain significance (2). Last evaluated 2022-10-31.

Allele frequency attached by ClinVar (database versions not stated): ExAC 0.00002; ESP Exome Variant Server 0.00008.
gnomAD v4.1: 18 of 1,613,964 alleles (0.0011%); highest among the groups gnomAD compares: South Asian, 0.0022%; no homozygotes.

Submissions (2):

Labcorp Genetics (formerly Invitae), Labcorp
Classification: Uncertain significance. Last evaluated: 2022-10-31. Review status: criteria provided, single submitter. Criteria: Invitae Variant Classification Sherloc (09022015). Collection method: clinical testing. Allele origin: germline.
Comment: This variant has not been reported in the literature in individuals affected with CLIC5-related conditions. This sequence change replaces valine, which is neutral and non-polar, with methionine, which is neutral and non-polar, at codon 240 of the CLIC5 protein (p.Val240Met). This variant is present in population databases (rs142218776, gnomAD 0.006%). Algorithms developed to predict the effect of missense changes on protein structure and function are either unavailable or do not agree on the potential impact of this missense change (SIFT: "Deleterious"; PolyPhen-2: "Probably Damaging"; Align-GVGD: "Class C0"). In summary, the available evidence is currently insufficient to determine the role of this variant in disease. Therefore, it has been classified as a Variant of Uncertain Significance.

Ambry Genetics
Classification: Uncertain significance. Last evaluated: 2022-03-16. Review status: criteria provided, single submitter. Criteria: Ambry Variant Classification Scheme 2023. Collection method: clinical testing. Allele origin: germline.